The following is an entry in ClinVar:

ClinVar aggregate classification (germline): Pathogenic (1 of 4 stars; one submission).

Conditions:
Microcephaly 5, primary, autosomal recessive (MCPH5). Also called: ASPM Primary Microcephaly. Identifiers: Orphanet 2512, MedGen C1837501, MONDO:0012106, OMIM 608716.

Submission:

3billion
Classification: Pathogenic for Microcephaly 5, primary, autosomal recessive. Last evaluated: 2021-10-02. Review status: criteria provided, single submitter. Criteria: ACMG Guidelines, 2015. Collection method: clinical testing. Allele origin: paternal. Affected: yes. Observed: 1 heterozygote.
Comment: Stop-gained (nonsense): predicted to result in a loss or disruption of normal protein function through nonsense-mediated decay (NMD) or protein truncation. Multiple pathogenic variants are reported downstream of the variant (PVS1_VS). It is not observed in the gnomAD v2.1.1 dataset (PM2). The variant was observed in trans with a pathogenic variant (NM_018136.4: c.2760+1G>A) as compound heterozygous (3billion dataset, PM3). Therefore, this variant is classified as pathogenic according to the recommendation of ACMG/AMP guideline.

NM_018136.5(ASPM):c.9641T>A (p.Leu3214Ter)

Gene: ASPM (assembly factor for spindle microtubules; minus strand). Cytogenetic location: 1q31.3.
Variant type: single nucleotide variant.
Coding change: c.9641T>A on transcript NM_018136.5 (MANE Select); coding-DNA position 9641, T replaced by A.
Protein change: p.Leu3214Ter; replaces leucine 3214 with a stop codon.
Molecular consequence: nonsense.
Genome position (GRCh38, 1-based): chr1:197,090,384, A>T on the plus strand (T>A on the coding strand, the complement: ASPM is on the minus strand). VCF-style: chr1-197090384-A-T. GRCh37 (hg19) VCF-style: chr1-197059514-A-T.
Other names: c.4886T>A, p.Leu1629Ter (NM_001206846.2); short protein forms L1629*, L3214*.
Identifiers: ClinVar variation 1320080 (VCV001320080.1), dbSNP rs368682161, ClinGen allele CA344002139.